The following is an entry in ClinVar:

NM_001001557.4(GDF6):c.112G>C (p.Gly38Arg)

Gene: GDF6 (growth differentiation factor 6; minus strand). Cytogenetic location: 8q22.1.
Variant type: single nucleotide variant.
Coding change: c.112G>C on transcript NM_001001557.4 (MANE Select); coding-DNA position 112, G replaced by C.
Protein change: p.Gly38Arg; replaces glycine 38 with arginine.
Molecular consequence: missense variant.
Genome position (GRCh38, 1-based): chr8:96,160,581, C>G on the plus strand (G>C on the coding strand, the complement: GDF6 is on the minus strand). VCF-style: chr8-96160581-C-G. GRCh37 (hg19) VCF-style: chr8-97172809-C-G.
Other names: c.112G>C (NM_001001557.3); short protein forms G38R.
Identifiers: ClinVar variation 707574 (VCV000707574.23), dbSNP rs139075817, ClinGen allele CA4815552.

ClinVar aggregate classification (germline): Conflicting classifications of pathogenicity. Review status: criteria provided, conflicting classifications (1 of 4 stars). 7 submissions from 7 submitters: Uncertain significance (1); Benign (1); Likely benign (1). 4 of the submissions do not count toward it. Last evaluated 2026-01-21.

Conditions:
GDF6-related disorder. Also called: GDF6-related condition.
Klippel-Feil syndrome 1, autosomal dominant (KFS1). Also called: CERVICAL VERTEBRAL FUSION, AUTOSOMAL DOMINANT. Identifiers: Orphanet 2345, MedGen C1861689, MONDO:0007306, OMIM 118100.
Isolated microphthalmia 4. Identifiers: Orphanet 2542, MedGen C2751307, MONDO:0013130, OMIM 613094.
Leber congenital amaurosis 17 (LCA17). Identifiers: Orphanet 65, MedGen C3715164, MONDO:0014145, OMIM 615360.
Microphthalmia, isolated, with coloboma 6 (MCOPCB6). Also called: MICROPHTHALMIA/COLOBOMA 6; Microphthalmia with coloboma 6, digenic; Microphthalmia with coloboma 6. Identifiers: Orphanet 98938, MedGen C3150968, MONDO:0013376, OMIM 613703.
Congenital anomaly of kidney and urinary tract. Also called: Congenital anomalies of the kidney and urinary tract; Congenital anomalies of kidney and urinary tract. Identifiers: Orphanet 93545, MedGen C1968949, MeSH C566906, MONDO:0019719.

Allele frequency attached by ClinVar (database versions not stated): ExAC 0.00063; gnomAD 0.00194 and 0.00217; 1000 Genomes Project 0.00140; gnomAD exomes 0.00051; 1000 Genomes Project 30x 0.00141; ESP Exome Variant Server 0.00192; TOPMed 0.00220.
gnomAD v4.1: 560 of 1,613,712 alleles (0.035%); highest among the groups gnomAD compares: African/African-American, 0.68%; 1 homozygote.

Submissions (7):

Labcorp Genetics (formerly Invitae), Labcorp
Classification: Likely benign for Isolated microphthalmia 4; Leber congenital amaurosis 17; Klippel-Feil syndrome 1, autosomal dominant; Microphthalmia, isolated, with coloboma 6. Last evaluated: 2026-01-21. Review status: criteria provided, single submitter. Criteria: Invitae Variant Classification Sherloc (09022015). Collection method: clinical testing. Allele origin: germline.

Weber Lab, Hannover Medical School
Classification: Uncertain significance for Congenital anomalies of kidney and urinary tract. Last evaluated: 2020-03-01. Review status: criteria provided, single submitter. Criteria: ACMG Guidelines, 2015. Collection method: research. Allele origin: germline. Affected: yes. Observed: 1 variant allele.

Illumina Laboratory Services, Illumina
Classification: Benign for Klippel-Feil syndrome 1, autosomal dominant. Last evaluated: 2018-01-12. Review status: criteria provided, single submitter. Criteria: ICSL Variant Classification Criteria 13 December 2019. Collection method: clinical testing. Allele origin: germline.
Comment: This variant was observed in the ICSL laboratory as part of a predisposition screen in an ostensibly healthy population. It had not been previously curated by ICSL or reported in the Human Gene Mutation Database (HGMD: prior to June 1st, 2018), and was therefore a candidate for classification through an automated scoring system. Utilizing variant allele frequency, disease prevalence and penetrance estimates, and inheritance mode, an automated score was calculated to assess if this variant is too frequent to cause the disease. Based on the score and internal cut-off values, a variant classified as benign is not then subjected to further curation. The score for this variant resulted in a classification of benign for this disease.

PreventionGenetics, part of Exact Sciences
Classification: Benign for GDF6-related condition. Last evaluated: 2019-11-01. Review status: no assertion criteria provided. Collection method: clinical testing. Allele origin: germline. Not counted in ClinVar's aggregate classification.
Comment: This variant is classified as benign based on ACMG/AMP sequence variant interpretation guidelines (Richards et al. 2015 PMID: 25741868, with internal and published modifications).

Clinical Genetics DNA and cytogenetics Diagnostics Lab, Erasmus MC, Erasmus Medical Center
Classification: Likely benign. Review status: no assertion criteria provided. Collection method: clinical testing. Allele origin: germline. Affected: yes. Study: VKGL Data-share Consensus. Not counted in ClinVar's aggregate classification.

Clinical Genetics, Academic Medical Center
Classification: Likely benign. Review status: no assertion criteria provided. Collection method: clinical testing. Allele origin: germline. Affected: yes. Study: VKGL Data-share Consensus. Not counted in ClinVar's aggregate classification.

Department of Pathology and Laboratory Medicine, Sinai Health System
Classification: Uncertain significance. Review status: no assertion criteria provided. Collection method: clinical testing. Allele origin: unknown. Affected: yes. Study: The Canadian Open Genetics Repository (COGR). Not counted in ClinVar's aggregate classification.
Comment: The GDF6 p.Gly38Arg variant was not identified in the literature nor was it identified in ClinVar, Cosmic or LOVD 3.0. The variant was identified in dbSNP (ID: rs139075817) and in control databases in 184 of 280534 chromosomes at a frequency of 0.000656 increasing the likelihood this could be a low frequency benign variant (Genome Aggregation Database Feb 27, 2017). The variant was observed in the following populations: African in 173 of 24658 chromosomes (freq: 0.007016), Other in 2 of 7192 chromosomes (freq: 0.000278) and Latino in 9 of 35390 chromosomes (freq: 0.000254); it was not observed in the Ashkenazi Jewish, East Asian, European (Finnish), European (non-Finnish) or South Asian populations. The p.Gly38 residue is not conserved in mammals and computational analyses (PolyPhen-2, SIFT, AlignGVGD, BLOSUM, MutationTaster) provide inconsistent predictions regarding the impact to the protein; this information is not very predictive of pathogenicity. The variant occurs outside of the splicing consensus sequence and only 2 of 4 in silico or computational prediction software programs (SpliceSiteFinder, MaxEntScan) predict a greater than 10% difference in splicing; this is not very predictive of pathogenicity. In summary, based on the above information the clinical significance of this variant cannot be determined with certainty at this time. This variant is classified as a variant of uncertain significance.

Literature cited by the submitters: PubMed 32737436 (cited by Weber Lab, Hannover Medical School).